The following is an entry in ClinVar:

NM_000179.3(MSH6):c.4083GACT[3] (p.Ter1361=)

Gene: MSH6 (mutS homolog 6; plus strand). Cytogenetic location: 2p16.3.
Variant type: Microsatellite.
Coding change: c.4083GACT[3] on transcript NM_000179.3 (MANE Select); three copies in a row of the 4-base unit GACT starting at c.4083; the reference has two copies in a row; one copy, 4 bases duplicated.
Protein change: p.Ter1361=.
Molecular consequence: no sequence alteration.
Genome position (GRCh38, 1-based): chr2:47,806,864-47,806,867, GACT duplicated; duplicating any 4 consecutive bases within chr2:47,806,860-47,806,867 gives the same sequence; the position shown is the placement nearest the transcript's 3' end. VCF-style (leftmost placement, unchanged base first): chr2-47806859-A-AGACT. GRCh37 (hg19) VCF-style: chr2-48033998-A-AGACT.
Other names: c.*4_*7dupGACT (NM_000179.2); c.*4_*7dup (NM_000179.3); c.3693GACT[3], p.Ter1231= (NM_001281492.2); c.3177GACT[3], p.Ter1059= (NM_001281493.2, NM_001281494.2).
Identifiers: ClinVar variation 230080 (VCV000230080.54), dbSNP rs765313977, ClinGen allele CA1649517.

ClinVar aggregate classification (germline): Conflicting classifications of pathogenicity. Review status: criteria provided, conflicting classifications (1 of 4 stars). 10 submissions from 10 submitters: Uncertain significance (5); Benign (1); Likely benign (3). 1 of the submissions does not count toward it. Last evaluated 2025-01-09.

Conditions:
Hereditary nonpolyposis colorectal neoplasms. Identifiers: MedGen C0009405, MeSH D003123.
Hereditary cancer-predisposing syndrome. Also called: Neoplastic Syndromes, Hereditary; Hereditary Cancer Syndrome; Tumor predisposition; Hereditary neoplastic syndrome. Identifiers: Orphanet 140162, MedGen C0027672, MeSH D009386, MONDO:0015356.
Lynch syndrome 5 (LYNCH5). Also called: Colorectal cancer, hereditary nonpolyposis, type 5; Hereditary non-polyposis colorectal cancer, type 5. Identifiers: Orphanet 144, MedGen C1833477, MONDO:0013710, OMIM 614350. Disease mechanism: loss of function.

Submissions (10):

Myriad Genetics, Inc.
Classification: Benign for Lynch syndrome 5. Last evaluated: 2025-01-09. Review status: criteria provided, single submitter. Criteria: Myriad Autosomal Dominant, Autosomal Recessive and X-Linked Classification Criteria (2023). Collection method: clinical testing. Allele origin: unknown.
Comment: This variant is considered benign. This variant occurs in the non-coding 3' untranslated region of the gene, and is not expected to impact protein function.

Molecular Pathology, Peter Maccallum Cancer Centre
Classification: Uncertain significance for Lynch syndrome 5. Last evaluated: 2024-12-19. Review status: criteria provided, single submitter. Criteria: ACMG Guidelines, 2015. Collection method: clinical testing. Allele origin: germline. Inheritance: Autosomal dominant inheritance.

Genomic Medicine Center of Excellence, King Faisal Specialist Hospital and Research Centre
Classification: Uncertain significance for Lynch syndrome 5. Last evaluated: 2024-09-22. Review status: criteria provided, single submitter. Criteria: ACMG Guidelines, 2015. Collection method: clinical testing. Allele origin: germline.

CeGaT Center for Human Genetics Tuebingen
Classification: Likely benign. Last evaluated: 2020-02-01. Review status: criteria provided, single submitter. Criteria: CeGaT Center For Human Genetics Tuebingen Variant Classification Criteria Version 2. Collection method: clinical testing. Allele origin: germline. Affected: yes. Observed: 1 variant allele.

Quest Diagnostics Nichols Institute San Juan Capistrano
Classification: Uncertain significance. Last evaluated: 2019-11-11. Review status: criteria provided, single submitter. Criteria: Quest Diagnostics criteria. Collection method: clinical testing. Allele origin: unknown.

GeneDx
Classification: Likely benign. Last evaluated: 2018-10-23. Review status: criteria provided, single submitter. Criteria: GeneDx Variant Classification Process June 2021. Collection method: clinical testing. Allele origin: germline. Affected: yes.
Comment: This variant is associated with the following publications: (PMID: 26556299, 32029870)

Labcorp Genetics (formerly Invitae), Labcorp
Classification: Uncertain significance for Hereditary nonpolyposis colorectal neoplasms. Last evaluated: 2017-11-08. Review status: criteria provided, single submitter. Criteria: Invitae Variant Classification Sherloc (09022015). Collection method: clinical testing. Allele origin: germline.

Ambry Genetics
Classification: Uncertain significance for Hereditary cancer-predisposing syndrome. Last evaluated: 2016-08-09. Review status: criteria provided, single submitter. Criteria: Ambry Variant Classification Scheme 2023. Collection method: clinical testing. Allele origin: germline.
Comment: The c.*4_*7dupGACT variant is located in the 3' untranslated region (3&rsquo;UTR) of the MSH6 gene, and results from the duplication of 4 nucleotides at positions 4 through 7 after the termination codon. This nucleotide region is not well conserved in available vertebrate species. Since supporting evidence is limited at this time, the clinical significance of this alteration remains unclear.

Color Diagnostics, LLC DBA Color Health
Classification: Likely benign for Hereditary cancer-predisposing syndrome. Last evaluated: 2016-05-23. Review status: criteria provided, single submitter. Criteria: ACMG Guidelines, 2015. Collection method: clinical testing. Allele origin: germline.

Counsyl
Classification: Uncertain significance for Lynch syndrome 5. Last evaluated: 2016-09-12. Review status: no assertion criteria provided. Collection method: clinical testing. Allele origin: unknown. Not counted in ClinVar's aggregate classification.